The following is an entry in ClinVar:

NM_007294.4(BRCA1):c.3949_3976dup (p.His1326fs)

Genes: BRCA1 (BRCA1 DNA repair associated; minus strand), LOC126862571 (BRD4-independent group 4 enhancer GRCh37_chr17:41243136-41244335; plus strand). Cytogenetic location: 17q21.31.
Variant type: Duplication.
Coding change: c.3949_3976dup on transcript NM_007294.4 (MANE Select); coding-DNA positions 3949 to 3976, 28 bases duplicated (TTGATTGGTTCTTCCAAACAAATGAGGC).
Protein change: p.His1326fs; shifts the reading frame from histidine 1326.
Molecular consequence: frameshift variant. On other transcripts: intron variant (135).
Genome position (GRCh38, 1-based): chr17:43,091,555-43,091,582, GCCTCATTTGTTTGGAAGAACCAATCAA duplicated on the plus strand (TTGATTGGTTCTTCCAAACAAATGAGGC on the coding strand, the reverse complement: BRCA1 is on the minus strand); duplicating any 28 consecutive bases within chr17:43,091,555-43,091,583 gives the same sequence; the c. name uses the placement nearest the transcript's 3' end. VCF-style (leftmost placement, unchanged base first): chr17-43091554-T-TGCCTCATTTGTTTGGAAGAACCAATCAA. GRCh37 (hg19) VCF-style: chr17-41243571-T-TGCCTCATTTGTTTGGAAGAACCAATCAA.
Other names: c.3736_3763dup, p.His1255fs (NM_001407571.1, NM_001407853.1, NM_001407894.1 and 9 more transcripts); c.3949_3976dup, p.His1326fs (NM_001407581.1, NM_001407582.1, NM_001407583.1 and 31 more transcripts); c.3946_3973dup, p.His1325fs (NM_001407587.1, NM_001407590.1, NM_001407591.1 and 22 more transcripts); c.3940_3967dup, p.His1323fs (NM_001407646.1, NM_001407647.1); c.3826_3853dup, p.His1285fs (NM_001407648.1, NM_001407664.1, NM_001407665.1 and 19 more transcripts); c.3823_3850dup, p.His1284fs (NM_001407649.1, NM_001407670.1, NM_001407671.1 and 11 more transcripts); c.3871_3898dup, p.His1300fs (NM_001407653.1, NM_001407654.1, NM_001407655.1 and 4 more transcripts); c.3868_3895dup, p.His1299fs (NM_001407659.1, NM_001407660.1, NM_001407661.1 and 1 more transcripts); and 41 more; short protein forms H1279fs, H1326fs, H1158fs, H1214fs, H1258fs, H1278fs, H1284fs, H1237fs.
Identifiers: ClinVar variation 660515 (VCV000660515.8), dbSNP rs1597860092, ClinGen allele CA891842294.

ClinVar aggregate classification (germline): Pathogenic (1 of 4 stars; one submission).

Conditions:
Hereditary breast ovarian cancer syndrome. Also called: BRCA1- and BRCA2-Associated Hereditary Breast and Ovarian Cancer; Hereditary breast and ovarian cancer syndrome; Hereditary breast and ovarian cancer syndrome (HBOC); Hereditary breast and/or ovarian cancer syndrome; Breast and ovarian cancer; Hereditary breast and ovarian cancer. Identifiers: Orphanet 145, MedGen C0677776, MeSH D061325, MONDO:0003582. Disease mechanism: loss of function.

Submission:

Labcorp Genetics (formerly Invitae), Labcorp
Classification: Pathogenic for Hereditary breast ovarian cancer syndrome. Last evaluated: 2025-10-15. Review status: criteria provided, single submitter. Criteria: Invitae Variant Classification Sherloc (09022015). Collection method: clinical testing. Allele origin: germline.
Comment: This sequence change creates a premature translational stop signal (p.His1326Leufs*13) in the BRCA1 gene. It is expected to result in an absent or disrupted protein product. Loss-of-function variants in BRCA1 are known to be pathogenic (PMID: 20104584). This variant is not present in population databases (gnomAD no frequency). This variant has not been reported in the literature in individuals affected with BRCA1-related conditions. ClinVar contains an entry for this variant (Variation ID: 660515). For these reasons, this variant has been classified as Pathogenic.

Literature cited by the submitters: PubMed 20104584.